The following is an entry in ClinVar:

ClinVar aggregate classification (germline): Uncertain significance. Review status: criteria provided, multiple submitters, no conflicts (2 of 4 stars). 5 submissions from 5 submitters: Uncertain significance (5). Last evaluated 2026-04-21.

Conditions:
Hereditary cancer-predisposing syndrome. Also called: Neoplastic Syndromes, Hereditary; Hereditary Cancer Syndrome; Hereditary neoplastic syndrome; Tumor predisposition. Identifiers: Orphanet 140162, MedGen C0027672, MeSH D009386, MONDO:0015356.
Cardiovascular phenotype. Identifiers: MedGen CN230736.
LZTR1-related schwannomatosis. Also called: Schwannomatosis 2; Schwannomatosis-2, susceptibility to. Identifiers: Orphanet 93921, MedGen C3810283, MONDO:0014299, OMIM 615670.
Noonan syndrome 10 (NS10). Identifiers: Orphanet 648, MedGen C4225280, MONDO:0014693, OMIM 616564.
Noonan syndrome 2 (NS2). Identifiers: Orphanet 648, MedGen C1854469, MONDO:0011531, OMIM 605275.

Allele frequency attached by ClinVar (database versions not stated): gnomAD exomes 0.00001; ExAC 0.00002.
gnomAD v4.1: 8 of 1,612,502 alleles (0.0005%); highest among the groups gnomAD compares: Middle Eastern, 0.017%; no homozygotes.

Submissions (5):

Women's Health and Genetics/Laboratory Corporation of America, LabCorp
Classification: Uncertain significance. Last evaluated: 2026-04-21. Review status: criteria provided, single submitter. Criteria: LabCorp Variant Classification Summary - May 2015. Collection method: clinical testing. Allele origin: germline.
Comment: Variant summary: LZTR1 c.1378G>A (p.Val460Ile) results in a conservative amino acid change in the encoded protein sequence. Algorithms developed to predict the effect of missense changes on protein structure and function are either unavailable or do not agree on the potential impact of this missense change. The variant allele was found at a frequency of 8.1e-06 in 247160 control chromosomes. The available data on variant occurrences in the general population are insufficient to allow any conclusion about variant significance. To our knowledge, no occurrence of c.1378G>A in individuals affected with LZTR1-related conditions and no experimental evidence demonstrating its impact on protein function have been reported. ClinVar contains an entry for this variant (Variation ID: 1771223). Based on the evidence outlined above, the variant was classified as uncertain significance.

Ambry Genetics
Classification: Uncertain significance for Cardiovascular phenotype; Hereditary cancer-predisposing syndrome. Last evaluated: 2025-01-31. Review status: criteria provided, single submitter. Criteria: Ambry Variant Classification Scheme 2023. Collection method: clinical testing. Allele origin: germline.
Comment: The p.V460I variant (also known as c.1378G>A), located in coding exon 13 of the LZTR1 gene, results from a G to A substitution at nucleotide position 1378. The valine at codon 460 is replaced by isoleucine, an amino acid with highly similar properties. This amino acid position is not well conserved in available vertebrate species. In addition, this alteration is predicted to be tolerated by in silico analysis. Since supporting evidence is limited at this time, the clinical significance of this alteration remains unclear.

Labcorp Genetics (formerly Invitae), Labcorp
Classification: Uncertain significance. Last evaluated: 2024-06-17. Review status: criteria provided, single submitter. Criteria: Invitae Variant Classification Sherloc (09022015). Collection method: clinical testing. Allele origin: germline.
Comment: This sequence change replaces valine, which is neutral and non-polar, with isoleucine, which is neutral and non-polar, at codon 460 of the LZTR1 protein (p.Val460Ile). The frequency data for this variant in the population databases is considered unreliable, as metrics indicate poor data quality at this position in the gnomAD database. This variant has not been reported in the literature in individuals affected with LZTR1-related conditions. ClinVar contains an entry for this variant (Variation ID: 1771223). Advanced modeling of protein sequence and biophysical properties (such as structural, functional, and spatial information, amino acid conservation, physicochemical variation, residue mobility, and thermodynamic stability) performed at Invitae indicates that this missense variant is not expected to disrupt LZTR1 protein function with a negative predictive value of 80%. In summary, the available evidence is currently insufficient to determine the role of this variant in disease. Therefore, it has been classified as a Variant of Uncertain Significance.

Fulgent Genetics
Classification: Uncertain significance for Noonan syndrome 2; LZTR1-related schwannomatosis; Noonan syndrome 10. Last evaluated: 2024-04-04. Review status: criteria provided, single submitter. Criteria: ACMG Guidelines, 2015. Collection method: clinical testing. Allele origin: germline.

Baylor Genetics
Classification: Uncertain significance for LZTR1-related schwannomatosis. Last evaluated: 2023-12-29. Review status: criteria provided, single submitter. Criteria: ACMG Guidelines, 2015. Collection method: clinical testing. Allele origin: unknown.

NM_006767.4(LZTR1):c.1378G>A (p.Val460Ile)

Gene: LZTR1 (leucine zipper like post translational regulator 1; plus strand). Cytogenetic location: 22q11.21.
Variant type: single nucleotide variant.
Coding change: c.1378G>A on transcript NM_006767.4 (MANE Select); coding-DNA position 1378, G replaced by A.
Protein change: p.Val460Ile; replaces valine 460 with isoleucine.
Molecular consequence: missense variant.
Genome position (GRCh38, 1-based): chr22:20,993,948, G>A. VCF-style: chr22-20993948-G-A. GRCh37 (hg19) VCF-style: chr22-21348237-G-A.
Other names: short protein forms V460I.
Identifiers: ClinVar variation 1771223 (VCV001771223.10), dbSNP rs763222950, ClinGen allele CA10118864.